The following is an entry in ClinVar:

NM_001110556.2(FLNA):c.6152G>T (p.Arg2051Leu)

Gene: FLNA (filamin A; minus strand). Cytogenetic location: Xq28.
Variant type: single nucleotide variant.
Coding change: c.6152G>T on transcript NM_001110556.2 (MANE Select); coding-DNA position 6152, G replaced by T.
Protein change: p.Arg2051Leu; replaces arginine 2051 with leucine.
Molecular consequence: missense variant.
Genome position (GRCh38, 1-based): chrX:154,353,075, C>A on the plus strand (G>T on the coding strand, the complement: FLNA is on the minus strand). VCF-style: chrX-154353075-C-A. GRCh37 (hg19) VCF-style: chrX-153581443-C-A.
Other names: p.Arg2043Leu; c.6128G>T (NM_001456.3); c.6128G>T, p.Arg2043Leu (NM_001456.4); short protein forms R2043L, R2051L.
Identifiers: ClinVar variation 2934036 (VCV002934036.4), dbSNP rs782483195, ClinGen allele CA415195716.

ClinVar aggregate classification (germline): Uncertain significance. Review status: criteria provided, multiple submitters, no conflicts (2 of 4 stars). 2 submissions from 2 submitters: Uncertain significance (2). Last evaluated 2025-01-16.

Conditions:
Oto-palato-digital syndrome, type II (OPD2). Also called: FACIOPALATOOSSEOUS SYNDROME; OPD II SYNDROME; Otopalatodigital Syndrome, Type II; Otopalatodigital Syndrome Type 2 (FLNA-OPD2). Identifiers: Orphanet 669, Orphanet 90652, MedGen C1844696, MONDO:0010571, OMIM 304120.
Heterotopia, periventricular, X-linked dominant (PVNH1). Also called: PERIVENTRICULAR NODULAR HETEROTOPIA 1; X-linked periventricular heterotopia; PERIVENTRICULAR NODULAR HETEROTOPIA 4; HETEROTOPIA, PERIVENTRICULAR, 1. Identifiers: Orphanet 2149, Orphanet 82004, MedGen C1848213, MONDO:0010233, OMIM 300049.
Frontometaphyseal dysplasia (FMD1). Identifiers: Orphanet 1826, MedGen C0265293, MONDO:0015942.
Melnick-Needles syndrome (MNS). Also called: MELNICK-NEEDLES OSTEODYSPLASTY; OSTEODYSPLASTY OF MELNICK AND NEEDLES; Melnick-Needles Syndrome (FLNA-MNS). Identifiers: Orphanet 2484, MedGen C0025237, MONDO:0010650, OMIM 309350.

gnomAD v4.1: 1 of 1,211,704 alleles (0.000083%); highest among the groups gnomAD compares: East Asian, 0.003%; no homozygotes.

Submissions (2):

Mayo Clinic Laboratories, Mayo Clinic
Classification: Uncertain significance. Last evaluated: 2025-01-16. Review status: criteria provided, single submitter. Criteria: ACMG Guidelines, 2015. Collection method: clinical testing. Allele origin: germline. Observed: 1 variant allele.
Comment: BP4, PP2, PM2_supporting

Labcorp Genetics (formerly Invitae), Labcorp
Classification: Uncertain significance for Oto-palato-digital syndrome, type II; Heterotopia, periventricular, X-linked dominant; Frontometaphyseal dysplasia; Melnick-Needles syndrome. Last evaluated: 2024-06-06. Review status: criteria provided, single submitter. Criteria: Invitae Variant Classification Sherloc (09022015). Collection method: clinical testing. Allele origin: germline.
Comment: This sequence change replaces arginine, which is basic and polar, with leucine, which is neutral and non-polar, at codon 2043 of the FLNA protein (p.Arg2043Leu). This variant is not present in population databases (gnomAD no frequency). This variant has not been reported in the literature in individuals affected with FLNA-related conditions. Advanced modeling of protein sequence and biophysical properties (such as structural, functional, and spatial information, amino acid conservation, physicochemical variation, residue mobility, and thermodynamic stability) performed at Invitae indicates that this missense variant is not expected to disrupt FLNA protein function with a negative predictive value of 95%. In summary, the available evidence is currently insufficient to determine the role of this variant in disease. Therefore, it has been classified as a Variant of Uncertain Significance.